The following is an entry in ClinVar:

NM_182641.4(BPTF):c.3313T>G (p.Ser1105Ala)

Gene: BPTF (bromodomain PHD finger transcription factor; plus strand). Cytogenetic location: 17q24.2.
Variant type: single nucleotide variant.
Coding change: c.3313T>G on transcript NM_182641.4 (MANE Select); coding-DNA position 3313, T replaced by G.
Protein change: p.Ser1105Ala; replaces serine 1105 with alanine.
Molecular consequence: missense variant.
Genome position (GRCh38, 1-based): chr17:67,911,197, T>G. VCF-style: chr17-67911197-T-G. GRCh37 (hg19) VCF-style: chr17-65907313-T-G.
Other names: c.3691T>G, p.Ser1231Ala (NM_004459.7); short protein forms S1105A, S1231A.
Identifiers: ClinVar variation 2590121 (VCV002590121.3), dbSNP rs200497111, ClinGen allele CA8725620.
Genomic context (GRCh38, chr17:67,911,197, plus strand): 5'-GAGGGTGGAATTAAGGGTATAGGAAAGACTTCTACAAATTCTTCAAAAAATCTCTCTGAA[T>G]CACCAGTAATAACGAAAGCAAAAGAAGGGTGTCAGAGTGACTCGATGAGACAAGAACAGA-3'
Protein context (NP_872579.2, residues 1095-1115): STNSSKNLSE[Ser1105Ala]PVITKAKEGC

ClinVar aggregate classification (germline): Conflicting classifications of pathogenicity. Review status: criteria provided, conflicting classifications (1 of 4 stars). 2 submissions from 2 submitters: Uncertain significance (1); Likely benign (1). Last evaluated 2025-10-28.

Conditions:
Inborn genetic diseases. Identifiers: MedGen C0950123, MeSH D030342.

Allele frequency attached by ClinVar (database versions not stated): ExAC 0.00005; TOPMed 0.00008; gnomAD 0.00009; gnomAD exomes 0.00009; ESP Exome Variant Server 0.00023.
gnomAD v4.1: 141 of 1,613,672 alleles (0.0087%); highest among the groups gnomAD compares: Non-Finnish European, 0.011%; no homozygotes.

Submissions (2):

Labcorp Genetics (formerly Invitae), Labcorp
Classification: Uncertain significance. Last evaluated: 2025-10-28. Review status: criteria provided, single submitter. Criteria: Invitae Variant Classification Sherloc (09022015). Collection method: clinical testing. Allele origin: germline.
Comment: This sequence change replaces serine, which is neutral and polar, with alanine, which is neutral and non-polar, at codon 1231 of the BPTF protein (p.Ser1231Ala). This variant is present in population databases (rs200497111, gnomAD 0.01%). This variant has not been reported in the literature in individuals affected with BPTF-related conditions. ClinVar contains an entry for this variant (Variation ID: 2590121). An algorithm developed to predict the effect of missense changes on protein structure and function outputs the following: PolyPhen-2: "Benign". The alanine amino acid residue is found in multiple mammalian species, which suggests that this missense change does not adversely affect protein function. In summary, the available evidence is currently insufficient to determine the role of this variant in disease. Therefore, it has been classified as a Variant of Uncertain Significance.

Ambry Genetics
Classification: Likely benign for Inborn genetic diseases. Last evaluated: 2023-06-23. Review status: criteria provided, single submitter. Criteria: Ambry Variant Classification Scheme 2023. Collection method: clinical testing. Allele origin: germline.